The following is an entry in ClinVar:

NM_014669.5(NUP93):c.2079G>C (p.Leu693Phe)

Gene: NUP93 (nucleoporin 93; plus strand). Cytogenetic location: 16q13.
Variant type: single nucleotide variant.
Coding change: c.2079G>C on transcript NM_014669.5 (MANE Select); coding-DNA position 2079, G replaced by C.
Protein change: p.Leu693Phe; replaces leucine 693 with phenylalanine.
Molecular consequence: missense variant.
Genome position (GRCh38, 1-based): chr16:56,839,012, G>C. VCF-style: chr16-56839012-G-C. GRCh37 (hg19) VCF-style: chr16-56872924-G-C.
Other names: c.1710G>C, p.Leu570Phe (NM_001242795.2, NM_001242796.2); short protein forms L693F, L570F.
Identifiers: ClinVar variation 813920 (VCV000813920.1), dbSNP rs1334928223, ClinGen allele CA395994205.

ClinVar aggregate classification (germline): Uncertain significance (1 of 4 stars; one submission).

Conditions:
Nephrotic syndrome, type 12 (NPHS12). Identifiers: Orphanet 656, MedGen C4225166, MONDO:0014817, OMIM 616892.

Submission:

Broad Center for Mendelian Genomics, Broad Institute of MIT and Harvard
Classification: Uncertain significance for Nephrotic syndrome, type 12. Last evaluated: 2018-12-03. Review status: criteria provided, single submitter. Criteria: ACMG Guidelines, 2015. Collection method: research. Allele origin: germline. Inheritance: Autosomal recessive inheritance. Affected: yes.
Comment: The p.Leu693Phe variant in NUP93 has not been previously reported in individuals with nephrotic syndrome and was absent from large population studies. Computational prediction tools and conservation analyses do not provide strong support for or against an impact to the protein. In summary, the clinical significance of the p.Leu693Phe variant is uncertain. ACMG/AMP Criteria applied: PM2, PP3 (Richards 2015).